The following is an entry in ClinVar:

ClinVar aggregate classification (germline): Uncertain significance (1 of 4 stars; one submission).

gnomAD v4.1: 5 of 496,804 alleles (0.001%); highest among the groups gnomAD compares: Non-Finnish European, 0.0014%; no homozygotes.

Submission:

Labcorp Genetics (formerly Invitae), Labcorp
Classification: Uncertain significance. Last evaluated: 2025-05-28. Review status: criteria provided, single submitter. Criteria: Invitae Variant Classification Sherloc (09022015). Collection method: clinical testing. Allele origin: germline.
Comment: This sequence change falls in intron 10 of the PLK4 gene. It does not directly change the encoded amino acid sequence of the PLK4 protein. The frequency data for this variant in the population databases is considered unreliable, as metrics indicate poor data quality at this position in the gnomAD database. This variant has not been reported in the literature in individuals affected with PLK4-related conditions. Algorithms developed to predict the effect of sequence changes on RNA splicing suggest that this variant may disrupt the consensus splice site. In summary, the available evidence is currently insufficient to determine the role of this variant in disease. Therefore, it has been classified as a Variant of Uncertain Significance.

NM_014264.5(PLK4):c.2189-14T>A

Gene: PLK4 (polo like kinase 4; plus strand). Cytogenetic location: 4q28.1.
Variant type: single nucleotide variant.
Coding change: c.2189-14T>A on transcript NM_014264.5 (MANE Select); 14 bases into the intron before coding-DNA position 2189, T replaced by A.
Molecular consequence: intron variant.
Genome position (GRCh38, 1-based): chr4:127,893,271, T>A. VCF-style: chr4-127893271-T-A. GRCh37 (hg19) VCF-style: chr4-128814426-T-A.
Other names: c.1964-14T>A (NM_001441366.1); c.1970-14T>A (NM_001441362.1); c.2087-14T>A (NM_001441359.1); c.1868-14T>A (NM_001441369.1); c.1568-14T>A (NM_001441371.1); c.1919-14T>A (NM_001441368.1); c.2048-14T>A (NM_001441360.1); c.1946-14T>A (NM_001441367.1); and 5 more.
Identifiers: ClinVar variation 4715763 (VCV004715763.1).